The following is an entry in ClinVar:

ClinVar aggregate classification (germline): Uncertain significance. Review status: criteria provided, multiple submitters, no conflicts (2 of 4 stars). 2 submissions from 2 submitters: Uncertain significance (2). Last evaluated 2024-05-13.

Conditions:
Sudden cardiac failure, alcohol-induced (SCFAI). Identifiers: MedGen C4310663, MONDO:0014974, OMIM 617223.

Submissions (2):

GeneDx
Classification: Uncertain significance. Last evaluated: 2024-05-13. Review status: criteria provided, single submitter. Criteria: GeneDx Variant Classification Process June 2021. Collection method: clinical testing. Allele origin: germline. Affected: yes.
Comment: Not observed at significant frequency in large population cohorts (gnomAD); In silico analysis supports a deleterious effect on splicing; Has not been previously published as pathogenic or benign to our knowledge

Clinical Genomics Laboratory, Stanford Medicine
Classification: Uncertain significance for Sudden cardiac failure, alcohol-induced. Last evaluated: 2021-04-16. Review status: criteria provided, single submitter. Criteria: ACMG Guidelines, 2015. Collection method: clinical testing. Allele origin: germline. Affected: yes. Observed: 1 heterozygote.
Comment: The c.528+5_528+8delGTTT variant in the PPA2 gene has not been previously reported in association with disease. This variant was absent from large population databases, including the Genome Aggregation Database. This variant occurs near the 5’ splice site and computational tools predict an impact to splicing. However, the accuracy of these computational tools is limited. These data were assessed using the ACMG/AMP variant interpretation guidelines. In summary, the significance of the c.528+5_528+8delGTTT variant is uncertain. Additional information is needed to resolve the significance of this variant. [ACMG evidence codes used: PM2; PP3]

NM_176869.3(PPA2):c.528+5_528+8del

Gene: PPA2 (inorganic pyrophosphatase 2; minus strand). Cytogenetic location: 4q24.
Variant type: Microsatellite.
Coding change: c.528+5_528+8del on transcript NM_176869.3 (MANE Select); bases 5 to 8 of the intron after coding-DNA position 528, 4 bases deleted (GTTT; older notation c.528+5_528+8delGTTT).
Molecular consequence: splice donor variant. On other transcripts: intron variant (3).
Genome position (GRCh38, 1-based): chr4:105,437,942-105,437,945, AAAC deleted on the plus strand (GTTT on the coding strand, the reverse complement: PPA2 is on the minus strand); deleting any 4 consecutive bases within chr4:105,437,942-105,437,949 gives the same sequence; the c. name uses the placement nearest the transcript's 3' end. VCF-style (leftmost placement, unchanged base first): chr4-105437941-AAAAC-A. GRCh37 (hg19) VCF-style: chr4-106359098-AAAAC-A.
Other names: c.157+35949_157+35952del (NM_176867.3); c.223-13623_223-13620del (NM_176866.2); c.441+8438_441+8441del (NM_006903.4).
Identifiers: ClinVar variation 3024548 (VCV003024548.2), dbSNP rs1259141426, ClinGen allele CA784845472.